The following is an entry in ClinVar:

ClinVar aggregate classification (germline): Uncertain significance (1 of 4 stars; one submission).

Conditions:
Cardiovascular phenotype. Identifiers: MedGen CN230736.

Allele frequency attached by ClinVar (database versions not stated): gnomAD exomes below 0.00001; ExAC 0.00001.
gnomAD v4.1: 1 of 1,613,118 alleles (0.000062%); highest among the groups gnomAD compares: Non-Finnish European, 0.000085%; no homozygotes.

Submission:

Ambry Genetics
Classification: Uncertain significance for Cardiovascular phenotype. Last evaluated: 2016-10-14. Review status: criteria provided, single submitter. Criteria: Ambry Variant Classification Scheme 2023. Collection method: clinical testing. Allele origin: germline.
Comment: The p.L1079V variant (also known as c.3235C>G), located in coding exon 39 of the CACNA2D1 gene, results from a C to G substitution at nucleotide position 3235. The leucine at codon 1079 is replaced by valine, an amino acid with highly similar properties. This variant was not reported in population based cohorts in the following databases: Database of Single Nucleotide Polymorphisms (dbSNP), NHLBI Exome Sequencing Project (ESP), and 1000 Genomes Project. In the ESP, this variant was not observed in 6503 samples (13006 alleles) with coverage at this position. Based on data from ExAC, the G allele has an overall frequency of less than 0.01% (1/105692). This amino acid position is highly conserved in available vertebrate species. In addition, this alteration is predicted to be tolerated by in silico analysis. Since supporting evidence is limited at this time, the clinical significance of this alteration remains unclear.

NM_000722.4(CACNA2D1):c.3235C>G (p.Leu1079Val)

Gene: CACNA2D1 (calcium voltage-gated channel auxiliary subunit alpha2delta 1; minus strand). Cytogenetic location: 7q21.11.
Variant type: single nucleotide variant.
Coding change: c.3235C>G on transcript NM_000722.4 (MANE Select); coding-DNA position 3235, C replaced by G.
Protein change: p.Leu1079Val; replaces leucine 1079 with valine.
Molecular consequence: missense variant.
Genome position (GRCh38, 1-based): chr7:81,950,433, G>C on the plus strand (C>G on the coding strand, the complement: CACNA2D1 is on the minus strand). VCF-style: chr7-81950433-G-C. GRCh37 (hg19) VCF-style: chr7-81579749-G-C.
Other names: c.3235C>G (LRG_437t1); c.3271C>G, p.Leu1091Val (NM_001366867.1); short protein forms L1079V, L1091V.
Identifiers: ClinVar variation 519339 (VCV000519339.5), dbSNP rs780771206, ClinGen allele CA4317331.